The following is an entry in ClinVar:

ClinVar aggregate classification (germline): Benign. Review status: reviewed by expert panel (3 of 4 stars). 18 submissions from 18 submitters: Benign (1). 17 of the submissions do not count toward it. Last evaluated 2019-06-18.

Conditions:
BRCA1-related disorder. Also called: BRCA1-related condition.
BRCA1-related cancer predisposition. Identifiers: MedGen CN377757, MONDO:0700268.
Hereditary cancer-predisposing syndrome. Also called: Neoplastic Syndromes, Hereditary; Tumor predisposition; Hereditary Cancer Syndrome; Hereditary neoplastic syndrome. Identifiers: Orphanet 140162, MedGen C0027672, MeSH D009386, MONDO:0015356.
Hereditary breast ovarian cancer syndrome. Also called: Hereditary breast and ovarian cancer; Breast and ovarian cancer; Hereditary breast and/or ovarian cancer syndrome; Hereditary breast and ovarian cancer syndrome (HBOC); Hereditary breast and ovarian cancer syndrome; BRCA1- and BRCA2-Associated Hereditary Breast and Ovarian Cancer. Identifiers: Orphanet 145, MedGen C0677776, MeSH D061325, MONDO:0003582. Disease mechanism: loss of function.
Breast-ovarian cancer, familial, susceptibility to, 1 (BROVCA1). Also called: OVARIAN CANCER, SUSCEPTIBILITY TO; BRCA1 Hereditary Breast and Ovarian Cancer. Identifiers: Orphanet 145, MedGen C2676676, MONDO:0011450, OMIM 604370. Disease mechanism: loss of function.
Malignant tumor of breast. Also called: Malignant breast neoplasm; Cancer breast. Identifiers: MedGen C0006142, MONDO:0007254. Disease mechanism: loss of function.

Allele frequency attached by ClinVar (database versions not stated): gnomAD 0.00006 and 0.00007; TOPMed 0.00006.
gnomAD v4.1: 190 of 1,613,824 alleles (0.012%); highest among the groups gnomAD compares: Non-Finnish European, 0.015%; no homozygotes.

Submissions 1 to 15 of 18:

Evidence-based Network for the Interpretation of Germline Mutant Alleles (ENIGMA)
Classification: Benign for Breast-ovarian cancer, familial, susceptibility to, 1. Last evaluated: 2019-06-18. Review status: reviewed by expert panel. Criteria: ENIGMA BRCA1/2 Classification Criteria (2017-06-29). Collection method: curation. Allele origin: germline.
Comment: IARC class based on posterior probability from multifactorial likelihood analysis, thresholds for class as per Plon et al. 2008 (PMID: 18951446). Class 1 based on posterior probability = 0.000143

Labcorp Genetics (formerly Invitae), Labcorp
Classification: Likely benign for Hereditary breast ovarian cancer syndrome. Last evaluated: 2026-02-03. Review status: criteria provided, single submitter. Criteria: Invitae Variant Classification Sherloc (09022015). Collection method: clinical testing. Allele origin: germline. Not counted in ClinVar's aggregate classification.

Quest Diagnostics Nichols Institute San Juan Capistrano
Classification: Likely benign. Last evaluated: 2025-09-26. Review status: criteria provided, single submitter. Criteria: Quest Diagnostics criteria. Collection method: clinical testing. Allele origin: unknown. Not counted in ClinVar's aggregate classification.

Center for Genomic Medicine, Rigshospitalet, Copenhagen University Hospital
Classification: Benign. Last evaluated: 2025-03-04. Review status: criteria provided, single submitter. Criteria: ACMG Guidelines, 2015. Collection method: clinical testing. Allele origin: germline. Not counted in ClinVar's aggregate classification.

All of Us Research Program, National Institutes of Health
Classification: Likely benign for BRCA1-related cancer predisposition. Last evaluated: 2024-08-06. Review status: criteria provided, single submitter. Criteria: ACMG Guidelines, 2015. Collection method: clinical testing. Allele origin: germline. Inheritance: Autosomal dominant inheritance. Observed: 21 variant alleles, 21 heterozygotes. Not counted in ClinVar's aggregate classification.
Comment: This study involves interpretation of variants in research participants for the purpose of population health screening. Participant phenotype was not available at the time of variant classification. Additional details can be found in publication PMID: 35346344, PMCID: PMC8962531

CeGaT Center for Human Genetics Tuebingen
Classification: Benign. Last evaluated: 2024-07-01. Review status: criteria provided, single submitter. Criteria: CeGaT Center For Human Genetics Tuebingen Variant Classification Criteria Version 2. Collection method: clinical testing. Allele origin: germline. Affected: yes. Observed: 1 variant allele. Not counted in ClinVar's aggregate classification.
Comment: BRCA1: BP1, BP2, BS3:Supporting, BS2

Women's Health and Genetics/Laboratory Corporation of America, LabCorp
Classification: Benign. Last evaluated: 2022-05-16. Review status: criteria provided, single submitter. Criteria: LabCorp Variant Classification Summary - May 2015. Collection method: clinical testing. Allele origin: germline. Not counted in ClinVar's aggregate classification.
Comment: Variant summary: BRCA1 c.1534C>T (p.Leu512Phe) results in a non-conservative amino acid change in the encoded protein sequence. Four of five in-silico tools predict a damaging effect of the variant on protein function. The variant allele was found at a frequency of 2.4e-05 in 251232 control chromosomes. The available data on variant occurrences in the general population are insufficient to allow any conclusion about variant significance. c.1534C>T has been reported in the literature in individuals affected with Hereditary Breast And Ovarian Cancer Syndrome (examples- Meindl_2002, Judkins_2005, Jimenez_2009, Plascocinska_2016). These data do not allow any conclusion about variant significance. Co-occurrences with other pathogenic variants have been reported [BRCA1 c.81_4986del , p.Cys27X; BRCA2 c.8023A>G , p.Ile2675Val; and BRCA2 c.5909C>A, p.Ser1970X (BIC database); BRCA1 c.1570delG, p.Ala524Glnfs (Jimenez_2009); BRCA2 c.1813dupA, p.Ile605AsnfsX11 (internal sample)], providing supporting evidence for a benign role. To our knowledge, no experimental evidence demonstrating an impact on protein function has been reported. Ten ClinVar submitters (evaluation after 2014) reported the variant with conflicting assessments, citing the variant as uncertain significance (n=2), likely benign (n=7), and benign (n=1, expert panel). Based on the evidence outlined above, the variant was classified as benign.

St. Jude Molecular Pathology, St. Jude Children's Research Hospital
Classification: Likely benign for Hereditary breast ovarian cancer syndrome. Last evaluated: 2021-08-26. Review status: criteria provided, single submitter. Criteria: St. Jude Assertion Criteria 2020. Collection method: clinical testing. Allele origin: germline. Not counted in ClinVar's aggregate classification.
Comment: The BRCA1 c.1534C>T (p.Leu512Phe) missense change has a maximum subpopulation frequency of 0.0078% in gnomAD v2.1.1. Six of seven in silico tools predict a deleterious effect of this variant on protein function (PP3), however in vitro functional studies have shown that this variant results in an activity comparable to the wild type in homology-directed DNA repair (HDR) assays (BS3; PMID: 32546644). This variant has been reported in an individual with uterine serous carcinoma (PMID: 22811390) and an individual in a family with two or more cases of breast cancer diagnosed after 50 years of age (PMID: 11802209). In addition, this variant has been reported in three women older than 70 years of age who have never had cancer (BS2_supporting). This variant has been reported to co-occur with pathogenic variants in BRCA1 and BRCA2 (BP2; UMD database). In summary, this variant meets criteria to be classified as likely benign based on the ACMG/AMP criteria: PP3, BS3, BS2_supporting, BP2.

Genetic Services Laboratory, University of Chicago
Classification: Likely benign. Last evaluated: 2020-05-04. Review status: criteria provided, single submitter. Criteria: ACMG Guidelines, 2015. Collection method: clinical testing. Allele origin: germline. Affected: no. Not counted in ClinVar's aggregate classification.

Ambry Genetics
Classification: Likely benign for Hereditary cancer-predisposing syndrome. Last evaluated: 2020-04-07. Review status: criteria provided, single submitter. Criteria: Ambry Variant Classification Scheme 2023. Collection method: clinical testing. Allele origin: germline. Not counted in ClinVar's aggregate classification.

GeneDx
Classification: Likely benign. Last evaluated: 2017-04-18. Review status: criteria provided, single submitter. Criteria: GeneDx Variant Classification (06012015). Collection method: clinical testing. Allele origin: germline. Affected: yes. Not counted in ClinVar's aggregate classification.
Comment: This variant is considered likely benign or benign based on one or more of the following criteria: it is a conservative change, it occurs at a poorly conserved position in the protein, it is predicted to be benign by multiple in silico algorithms, and/or has population frequency not consistent with disease.

Color Diagnostics, LLC DBA Color Health
Classification: Likely benign for Hereditary cancer-predisposing syndrome. Last evaluated: 2016-01-14. Review status: criteria provided, single submitter. Criteria: ACMG Guidelines, 2015. Collection method: clinical testing. Allele origin: germline. Not counted in ClinVar's aggregate classification.

Eurofins Ntd Llc (ga)
Classification: Uncertain significance. Last evaluated: 2015-01-07. Review status: criteria provided, single submitter. Criteria: EGL Classification Definitions 2015. Collection method: clinical testing. Allele origin: germline. Not counted in ClinVar's aggregate classification.

PreventionGenetics, part of Exact Sciences
Classification: Likely benign for BRCA1-related condition. Last evaluated: 2023-05-02. Review status: no assertion criteria provided. Collection method: clinical testing. Allele origin: germline. Not counted in ClinVar's aggregate classification.
Comment: This variant is classified as likely benign based on ACMG/AMP sequence variant interpretation guidelines (Richards et al. 2015 PMID: 25741868, with internal and published modifications).

Counsyl
Classification: Uncertain significance for Breast-ovarian cancer, familial, susceptibility to, 1. Last evaluated: 2016-09-14. Review status: no assertion criteria provided. Collection method: clinical testing. Allele origin: unknown. Not counted in ClinVar's aggregate classification.

NM_007294.4(BRCA1):c.1534C>T (p.Leu512Phe)

Gene: BRCA1 (BRCA1 DNA repair associated; minus strand). Cytogenetic location: 17q21.31.
Variant type: single nucleotide variant.
Coding change: c.1534C>T on transcript NM_007294.4 (MANE Select); coding-DNA position 1534, C replaced by T.
Protein change: p.Leu512Phe; replaces leucine 512 with phenylalanine.
Molecular consequence: missense variant. On other transcripts: intron variant (137).
Genome position (GRCh38, 1-based): chr17:43,093,997, G>A on the plus strand (C>T on the coding strand, the complement: BRCA1 is on the minus strand). VCF-style: chr17-43093997-G-A. GRCh37 (hg19) VCF-style: chr17-41246014-G-A.
Other names: p.L512F:CTT>TTT; 1653C>T; c.1393C>T, p.Leu465Phe (NM_001407732.1, NM_001407733.1, NM_001407734.1 and 29 more transcripts); c.1390C>T, p.Leu464Phe (NM_001407745.1, NM_001407746.1, NM_001407747.1 and 20 more transcripts); c.1321C>T, p.Leu441Phe (NM_001407853.1, NM_001407894.1, NM_001407895.1 and 9 more transcripts); c.1534C>T, p.Leu512Phe (NM_001407854.1, NM_001407858.1, NM_001407859.1 and 30 more transcripts); c.1531C>T, p.Leu511Phe (NM_001407860.1, NM_001407861.1, NM_001407587.1 and 22 more transcripts); c.1324C>T, p.Leu442Phe (NM_001407887.1, NM_001407889.1, NM_001407900.1 and 13 more transcripts); and 42 more; short protein forms L512F, L465F, L216F, L400F, L441F, L442F, L471F, L509F.
Identifiers: ClinVar variation 37420 (VCV000037420.61), dbSNP rs41286294, ClinGen allele CA001035.